The following is an entry in ClinVar:

NM_000526.5(KRT14):c.1275-1G>A

Gene: KRT14 (keratin 14; minus strand). Cytogenetic location: 17q21.2.
Variant type: single nucleotide variant.
Coding change: c.1275-1G>A on transcript NM_000526.5 (MANE Select); the canonical splice acceptor site of the intron before coding-DNA position 1275, G replaced by A.
Molecular consequence: splice acceptor variant.
Genome position (GRCh38, 1-based): chr17:41,583,141, C>T on the plus strand (G>A on the coding strand, the complement: KRT14 is on the minus strand). VCF-style: chr17-41583141-C-T. GRCh37 (hg19) VCF-style: chr17-39739393-C-T.
Identifiers: ClinVar variation 1522068 (VCV001522068.6), dbSNP rs2144581975, ClinGen allele CA399475077.

ClinVar aggregate classification (germline): Uncertain significance (1 of 4 stars; one submission).

Submission:

Labcorp Genetics (formerly Invitae), Labcorp
Classification: Uncertain significance. Last evaluated: 2025-04-08. Review status: criteria provided, single submitter. Criteria: Invitae Variant Classification Sherloc (09022015). Collection method: clinical testing. Allele origin: germline.
Comment: This sequence change affects an acceptor splice site in intron 6 of the KRT14 gene. It is expected to disrupt RNA splicing. Variants that disrupt the donor or acceptor splice site typically lead to a loss of protein function (PMID: 16199547), however the current clinical and genetic evidence is not sufficient to establish whether loss-of-function variants in KRT14 cause disease. This variant is not present in population databases (gnomAD no frequency). This variant has not been reported in the literature in individuals affected with KRT14-related conditions. ClinVar contains an entry for this variant (Variation ID: 1522068). Algorithms developed to predict the effect of sequence changes on RNA splicing suggest that this variant may disrupt the consensus splice site. In summary, the available evidence is currently insufficient to determine the role of this variant in disease. Therefore, it has been classified as a Variant of Uncertain Significance.

Literature cited by the submitters: PubMed 16199547.